The following is an entry in ClinVar:

NM_001199267.2(DGKZ):c.426C>G (p.Ile142Met)

Gene: DGKZ (diacylglycerol kinase zeta; plus strand). Cytogenetic location: 11p11.2.
Variant type: single nucleotide variant.
Coding change: c.426C>G on transcript NM_001199267.2 (MANE Select); coding-DNA position 426, C replaced by G.
Protein change: p.Ile142Met; replaces isoleucine 142 with methionine.
Molecular consequence: missense variant.
Genome position (GRCh38, 1-based): chr11:46,368,064, C>G. VCF-style: chr11-46368064-C-G. GRCh37 (hg19) VCF-style: chr11-46389614-C-G.
Other names: c.993C>G, p.Ile331Met (NM_001105540.2); c.429C>G, p.Ile143Met (NM_001199266.2, NM_001199268.2, NM_003646.4); c.477C>G, p.Ile159Met (NM_201532.3); c.441C>G, p.Ile147Met (NM_201533.3); short protein forms I142M, I143M, I147M, I159M, I331M.
Identifiers: ClinVar variation 2107386 (VCV002107386.4), dbSNP rs761651978, ClinGen allele CA380214971.
Genomic context (GRCh38, chr11:46,368,064, plus strand): 5'-GAAGTCAGTGTCTCGAAGAAAGTGCGCAGCCTGCAAGATTGTGGTGCACACGCCCTGCAT[C>G]GAGCAGCTGGAGAAGGTGGGTGGGTAGCTCAGCTTTGCCCGCCCCTGCCCTTTGGGTGCT-3'
Protein context (NP_001186196.1, residues 132-152): ACKIVVHTPC[Ile142Met]EQLEKINFRC

ClinVar aggregate classification (germline): Uncertain significance (1 of 4 stars; one submission).

gnomAD v4.1: 13 of 1,613,964 alleles (0.00081%); highest among the groups gnomAD compares: South Asian, 0.011%; no homozygotes.

Submission:

Labcorp Genetics (formerly Invitae), Labcorp
Classification: Uncertain significance. Last evaluated: 2024-05-15. Review status: criteria provided, single submitter. Criteria: Invitae Variant Classification Sherloc (09022015). Collection method: clinical testing. Allele origin: germline.
Comment: This sequence change replaces isoleucine, which is neutral and non-polar, with methionine, which is neutral and non-polar, at codon 331 of the DGKZ protein (p.Ile331Met). This variant is present in population databases (no rsID available, gnomAD 0.003%). This variant has not been reported in the literature in individuals affected with DGKZ-related conditions. ClinVar contains an entry for this variant (Variation ID: 2107386). An algorithm developed to predict the effect of missense changes on protein structure and function (PolyPhen-2) suggests that this variant is likely to be tolerated. In summary, the available evidence is currently insufficient to determine the role of this variant in disease. Therefore, it has been classified as a Variant of Uncertain Significance.